The following is an entry in ClinVar:

NM_004855.5(PIGB):c.1438C>A (p.Pro480Thr)

Gene: PIGB (phosphatidylinositol glycan anchor biosynthesis class B; plus strand). Cytogenetic location: 15q21.3.
Variant type: single nucleotide variant.
Coding change: c.1438C>A on transcript NM_004855.5 (MANE Select); coding-DNA position 1438, C replaced by A.
Protein change: p.Pro480Thr; replaces proline 480 with threonine.
Molecular consequence: missense variant.
Genome position (GRCh38, 1-based): chr15:55,354,898, C>A. VCF-style: chr15-55354898-C-A. GRCh37 (hg19) VCF-style: chr15-55647096-C-A.
Other names: short protein forms P480T.
Identifiers: ClinVar variation 2084099 (VCV002084099.1), dbSNP rs555126719, ClinGen allele CA7574099.

ClinVar aggregate classification (germline): Uncertain significance (1 of 4 stars; one submission).

Allele frequency attached by ClinVar (database versions not stated): ExAC 0.00001; gnomAD exomes 0.00001; gnomAD 0.00005; TOPMed 0.00008; 1000 Genomes Project 30x 0.00016; 1000 Genomes Project 0.00020.
gnomAD v4.1: 17 of 1,613,380 alleles (0.0011%); highest among the groups gnomAD compares: African/African-American, 0.021%; no homozygotes.

Submission:

Labcorp Genetics (formerly Invitae), Labcorp
Classification: Uncertain significance. Last evaluated: 2022-06-25. Review status: criteria provided, single submitter. Criteria: Invitae Variant Classification Sherloc (09022015). Collection method: clinical testing. Allele origin: germline.
Comment: This sequence change replaces proline, which is neutral and non-polar, with threonine, which is neutral and polar, at codon 480 of the PIGB protein (p.Pro480Thr). This variant is present in population databases (rs555126719, gnomAD 0.007%). This variant has not been reported in the literature in individuals affected with PIGB-related conditions. Algorithms developed to predict the effect of missense changes on protein structure and function are either unavailable or do not agree on the potential impact of this missense change (SIFT: "Tolerated"; PolyPhen-2: "Probably Damaging"; Align-GVGD: "Class C0"). In summary, the available evidence is currently insufficient to determine the role of this variant in disease. Therefore, it has been classified as a Variant of Uncertain Significance.